The following is an entry in ClinVar:

ClinVar aggregate classification (germline): Uncertain significance. Review status: criteria provided, multiple submitters, no conflicts (2 of 4 stars). 2 submissions from 2 submitters: Uncertain significance (2). Last evaluated 2024-01-23.

Conditions:
Neuropathy, hereditary sensory and autonomic, type 2A (HSAN2A). Also called: HSAN IIA; ACROOSTEOLYSIS, GIACCAI TYPE; ACROOSTEOLYSIS, NEUROGENIC; WNK1-Related HSAN2 (HSAN2A); MORVAN DISEASE; NEUROPATHY, CONGENITAL SENSORY. Identifiers: Orphanet 970, MedGen C2752089, MONDO:0024309, OMIM 201300.
Pseudohypoaldosteronism type 2C (PHA2C). Also called: Pseudohypoaldosteronism Type IIC. Identifiers: Orphanet 757, Orphanet 88940, MedGen C1840391, MONDO:0013778, OMIM 614492.

Allele frequency attached by ClinVar (database versions not stated): gnomAD 0.00006 and 0.00007; TOPMed 0.00008; 1000 Genomes Project 0.00020; 1000 Genomes Project 30x 0.00031.
gnomAD v4.1: 14 of 1,614,096 alleles (0.00087%); highest among the groups gnomAD compares: African/African-American, 0.019%; no homozygotes.

Submissions (2):

Fulgent Genetics
Classification: Uncertain significance for Neuropathy, hereditary sensory and autonomic, type 2A; Pseudohypoaldosteronism type 2C. Last evaluated: 2024-01-23. Review status: criteria provided, single submitter. Criteria: ACMG Guidelines, 2015. Collection method: clinical testing. Allele origin: germline.

Labcorp Genetics (formerly Invitae), Labcorp
Classification: Uncertain significance for Neuropathy, hereditary sensory and autonomic, type 2A; Pseudohypoaldosteronism type 2C. Last evaluated: 2018-04-17. Review status: criteria provided, single submitter. Criteria: Invitae Variant Classification Sherloc (09022015). Collection method: clinical testing. Allele origin: germline.
Comment: This sequence change replaces proline with alanine at codon 886 of the WNK1 protein (p.Pro886Ala). The proline residue is highly conserved and there is a small physicochemical difference between proline and alanine. In summary, the available evidence is currently insufficient to determine the role of this variant in disease. Therefore, it has been classified as a Variant of Uncertain Significance. Algorithms developed to predict the effect of missense changes on protein structure and function do not agree on the potential impact of this missense change (SIFT: "Deleterious"; PolyPhen-2: "Probably Damaging"; Align-GVGD: "Class C0"). This variant has not been reported in the literature in individuals with WNK1-related disease. This variant is present in population databases (rs569121553, ExAC 0.01%).

NM_018979.4(WNK1):c.2656C>G (p.Pro886Ala)

Gene: WNK1 (WNK lysine deficient protein kinase 1; plus strand). Cytogenetic location: 12p13.33.
Variant type: single nucleotide variant.
Coding change: c.2656C>G on transcript NM_018979.4 (MANE Select); coding-DNA position 2656, C replaced by G.
Protein change: p.Pro886Ala; replaces proline 886 with alanine.
Molecular consequence: missense variant. On other transcripts: intron variant (3).
Genome position (GRCh38, 1-based): chr12:879,855, C>G. VCF-style: chr12-879855-C-G. GRCh37 (hg19) VCF-style: chr12-989021-C-G.
Other names: c.3867+1494C>G (NM_213655.5); c.3613-866C>G (NM_001184985.2); c.2370+1494C>G (NM_014823.3); short protein forms P886A.
Identifiers: ClinVar variation 582261 (VCV000582261.8), dbSNP rs569121553, ClinGen allele CA6382533.